The following is an entry in ClinVar:

NM_003002.4(SDHD):c.13_14del (p.Trp5fs)

Genes: SDHD (succinate dehydrogenase complex subunit D; plus strand), LOC126861339 (BRD4-independent group 4 enhancer GRCh37_chr11:111957035-111958234; plus strand). Cytogenetic location: 11q23.1.
Variant type: Deletion.
Coding change: c.13_14del on transcript NM_003002.4 (MANE Select); coding-DNA positions 13 to 14, 2 bases deleted (TG; older notation c.13_14delTG).
Protein change: p.Trp5fs; shifts the reading frame from tryptophan 5.
Molecular consequence: frameshift variant. On other transcripts: non-coding transcript variant (1).
Genome position (GRCh38, 1-based): chr11:112,086,920-112,086,921, TG deleted. VCF-style (leftmost placement, unchanged base first): chr11-112086919-CTG-C. GRCh37 (hg19) VCF-style: chr11-111957643-CTG-C.
Other names: c.13_14del, p.Trp5fs (NM_001276503.2, NM_001276504.2, NM_001276506.2); short protein forms W5fs.
Identifiers: ClinVar variation 618362 (VCV000618362.19), dbSNP rs1566690018, ClinGen allele CA913190185.

ClinVar aggregate classification (germline): Pathogenic/Likely pathogenic. Review status: criteria provided, multiple submitters, no conflicts (2 of 4 stars). 4 submissions from 4 submitters: Pathogenic (3); Likely pathogenic (1). Last evaluated 2025-02-28.

Conditions:
Cowden syndrome 3 (CWS3). Identifiers: Orphanet 201, MedGen CN166604, MONDO:0014045.
Carney-Stratakis syndrome. Also called: PARAGANGLIOMA AND GASTROINTESTINAL STROMAL TUMOR. Identifiers: Orphanet 97286, MedGen C1847319, MONDO:0011740, OMIM 606864.
Paragangliomas with sensorineural hearing loss. Identifiers: MedGen C1868633.
Pheochromocytoma. Also called: MAX-Related Hereditary Paraganglioma-Pheochromocytoma Syndrome. Identifiers: Orphanet 29072, MedGen C0031511, MONDO:0008233, OMIM 171300, HP:0002666.
Pheochromocytoma/paraganglioma syndrome 1. Also called: PARAGANGLIOMAS, FAMILIAL NONCHROMAFFIN, 1; PGL 1; Paragangliomas familial 1; SDHD-Related Hereditary Paraganglioma-Pheochromocytoma Syndrome; PARAGANGLIOMATA; Paraganglioma - glomus jugulare. Identifiers: Orphanet 29072, MedGen C3494181, MONDO:0008192, OMIM 168000.

Submissions (4):

Quest Diagnostics Nichols Institute San Juan Capistrano
Classification: Likely pathogenic. Last evaluated: 2025-02-28. Review status: criteria provided, single submitter. Criteria: Quest Diagnostics criteria. Collection method: clinical testing. Allele origin: unknown.
Comment: The SDHD c.13_14del (p.Trp5Glufs*63) variant alters the translational reading frame of the SDHD mRNA and is predicted to cause the premature termination of SDHD protein synthesis. To the best of our knowledge, this variant has not been reported in the published literature. It also has not been reported in large, multi-ethnic general populations (Genome Aggregation Database). Based on the available information, this variant is classified as likely pathogenic.

Myriad Genetics, Inc.
Classification: Pathogenic for Pheochromocytoma/paraganglioma syndrome 1. Last evaluated: 2024-02-09. Review status: criteria provided, single submitter. Criteria: Myriad Autosomal Dominant, Autosomal Recessive and X-Linked Classification Criteria (2023). Collection method: clinical testing. Allele origin: unknown.
Comment: This variant is considered pathogenic. This variant creates a frameshift predicted to result in premature protein truncation.

Labcorp Genetics (formerly Invitae), Labcorp
Classification: Pathogenic for Carney-Stratakis syndrome; Paragangliomas with sensorineural hearing loss; Pheochromocytoma; Cowden syndrome 3. Last evaluated: 2019-10-16. Review status: criteria provided, single submitter. Criteria: Invitae Variant Classification Sherloc (09022015). Collection method: clinical testing. Allele origin: germline.
Comment: For these reasons, this variant has been classified as Pathogenic. Loss-of-function variants in SDHD are known to be pathogenic (PMID: 19454582, 19802898). This variant has not been reported in the literature in individuals with SDHD-related conditions. ClinVar contains an entry for this variant (Variation ID: 618362). This variant is not present in population databases (ExAC no frequency). This sequence change creates a premature translational stop signal (p.Trp5Glufs*63) in the SDHD gene. It is expected to result in an absent or disrupted protein product.

ARUP Laboratories, Molecular Genetics and Genomics, ARUP Laboratories
Classification: Pathogenic. Last evaluated: 2018-05-17. Review status: criteria provided, single submitter. Criteria: ARUP Molecular Germline Variant Investigation Process. Collection method: clinical testing. Allele origin: germline.
Comment: The SDHD c.13_14delTG; p.Trp5fs variant, to our knowledge, is not reported in the medical literature or in gene-specific databases. However, at least one start loss variant and one nonsense variant in codon 5 have been described in the literature in individuals with paraganglioma or pheochromocytoma (Andrews 2017). The SDHD c.13_14delTG variant is also absent from general population databases (1000 Genomes Project, Exome Variant Server, and Genome Aggregation Database), indicating it is not a common polymorphism. This variant causes a frameshift by deleting two nucleotides, so it is predicted to result in a truncated protein or mRNA subject to nonsense-mediated decay. Additionally, loss of function frameshift and nonsense variants are a known mechanism of disease (Turchini 2018). Considering available information, this variant is classified as pathogenic. References: Andrews KA et al. Tumour risks and genotype-phenotype correlations associated with germline variants in succinate dehydrogenase subunit genes SDHB, SDHC and SDHD. J Med Genet. 2018 Jan 31. Turchini J et al. Pathology and genetics of phaeochromocytoma and paraganglioma. Histopathology. 2018 Jan;72(1):97-105.

Literature cited by the submitters: PubMed 19454582 (cited by Labcorp Genetics (formerly Invitae), Labcorp); PubMed 19802898 (cited by Labcorp Genetics (formerly Invitae), Labcorp).